The following is an entry in ClinVar:

NM_001385875.1(ZFYVE27):c.664+6C>T

Gene: ZFYVE27 (zinc finger FYVE-type containing 27; plus strand). Cytogenetic location: 10q24.2.
Variant type: single nucleotide variant.
Coding change: c.664+6C>T on transcript NM_001385875.1 (MANE Select); 6 bases into the intron after coding-DNA position 664, C replaced by T.
Molecular consequence: intron variant.
Genome position (GRCh38, 1-based): chr10:97,749,592, C>T. VCF-style: chr10-97749592-C-T. GRCh37 (hg19) VCF-style: chr10-99509349-C-T.
Other names: c.703+6C>T (NM_001385876.1); c.664+6C>T (NM_001385871.1, NM_001385879.1, NM_144588.7 and 8 more transcripts); c.427+6C>T (NM_001385903.1, NM_001385899.1, NM_001385904.1 and 2 more transcripts); c.406+6C>T (NM_001385902.1, NM_001385908.1, NM_001385901.1 and 3 more transcripts); c.460+6C>T (NM_001385890.1, NM_001385895.1, NM_001385897.1 and 6 more transcripts); c.568+6C>T (NM_001385888.1, NM_001385886.1, NM_001385889.1 and 3 more transcripts); c.370+6C>T (NM_001385915.1, NM_001174121.2); c.628+6C>T (NM_001385881.1); and 3 more.
Identifiers: ClinVar variation 3679426 (VCV003679426.2).

ClinVar aggregate classification (germline): Uncertain significance (1 of 4 stars; one submission).

Conditions:
Spastic paraplegia. Identifiers: MedGen C0037772, HP:0001258.

Submission:

Labcorp Genetics (formerly Invitae), Labcorp
Classification: Uncertain significance for Spastic paraplegia. Last evaluated: 2024-10-15. Review status: criteria provided, single submitter. Criteria: Invitae Variant Classification Sherloc (09022015). Collection method: clinical testing. Allele origin: germline.
Comment: This sequence change falls in intron 5 of the ZFYVE27 gene. It does not directly change the encoded amino acid sequence of the ZFYVE27 protein. It affects a nucleotide within the consensus splice site. This variant is not present in population databases (gnomAD no frequency). This variant has not been reported in the literature in individuals affected with ZFYVE27-related conditions. Variants that disrupt the consensus splice site are a relatively common cause of aberrant splicing (PMID: 17576681, 9536098). Algorithms developed to predict the effect of sequence changes on RNA splicing suggest that this variant is not likely to affect RNA splicing. In summary, the available evidence is currently insufficient to determine the role of this variant in disease. Therefore, it has been classified as a Variant of Uncertain Significance.

Literature cited by the submitters: PubMed 17576681; PubMed 9536098.